The following is an entry in ClinVar:

ClinVar aggregate classification (germline): Uncertain significance (1 of 4 stars; one submission).

Conditions:
Familial thoracic aortic aneurysm and aortic dissection (TAAD). Also called: Thoracic aortic aneurysms and dissections. Identifiers: Orphanet 91387, MedGen C4707243, MONDO:0019625.

Submission:

Ambry Genetics
Classification: Uncertain significance for Familial thoracic aortic aneurysm and aortic dissection. Last evaluated: 2021-05-20. Review status: criteria provided, single submitter. Criteria: Ambry Variant Classification Scheme 2023. Collection method: clinical testing. Allele origin: germline.
Comment: The p.P967T variant (also known as c.2899C>A), located in coding exon 40 of the COL3A1 gene, results from a C to A substitution at nucleotide position 2899. The proline at codon 967 is replaced by threonine, an amino acid with highly similar properties. This amino acid position is poorly conserved in available vertebrate species. In addition, this alteration is predicted to be tolerated by in silico analysis. Since supporting evidence is limited at this time, the clinical significance of this alteration remains unclear.

NM_000090.4(COL3A1):c.2899C>A (p.Pro967Thr)

Gene: COL3A1 (collagen type III alpha 1 chain; plus strand). Cytogenetic location: 2q32.2.
Variant type: single nucleotide variant.
Coding change: c.2899C>A on transcript NM_000090.4 (MANE Select); coding-DNA position 2899, C replaced by A.
Protein change: p.Pro967Thr; replaces proline 967 with threonine.
Molecular consequence: missense variant.
Genome position (GRCh38, 1-based): chr2:189,004,332, C>A. VCF-style: chr2-189004332-C-A. GRCh37 (hg19) VCF-style: chr2-189869058-C-A.
Other names: short protein forms P967T.
Identifiers: ClinVar variation 1797377 (VCV001797377.2), dbSNP rs2469154266, ClinGen allele CA349844595.